The following is an entry in ClinVar:

NM_006231.4(POLE):c.5570A>G (p.Lys1857Arg)

Gene: POLE (DNA polymerase epsilon, catalytic subunit; minus strand). Cytogenetic location: 12q24.33.
Variant type: single nucleotide variant.
Coding change: c.5570A>G on transcript NM_006231.4 (MANE Select); coding-DNA position 5570, A replaced by G.
Protein change: p.Lys1857Arg; replaces lysine 1857 with arginine.
Molecular consequence: missense variant.
Genome position (GRCh38, 1-based): chr12:132,638,122, T>C on the plus strand (A>G on the coding strand, the complement: POLE is on the minus strand). VCF-style: chr12-132638122-T-C. GRCh37 (hg19) VCF-style: chr12-133214708-T-C.
Other names: short protein forms K1857R.
Identifiers: ClinVar variation 221105 (VCV000221105.91), dbSNP rs5744971, ClinGen allele CA349635.

ClinVar aggregate classification (germline): Benign/Likely benign. Review status: criteria provided, multiple submitters, no conflicts (2 of 4 stars). 16 submissions from 16 submitters: Benign (6); Likely benign (7). 3 of the submissions do not count toward it. Last evaluated 2026-02-04.

Conditions:
POLE-related disorder. Also called: POLE-related disorders; POLE-related condition.
Intrauterine growth retardation, metaphyseal dysplasia, adrenal hypoplasia congenita, genital anomalies, and immunodeficiency. Also called: IMAGEI SYNDROME. Identifiers: MedGen C5193036, MONDO:0032684, OMIM 618336.
Facial dysmorphism-immunodeficiency-livedo-short stature syndrome. Also called: Facial dysmorphism, immunodeficiency, livedo, and short stature; FILS syndrome. Identifiers: Orphanet 352712, MedGen C3554576, MONDO:0014058, OMIM 615139.
Colorectal cancer, susceptibility to, 12 (CRCS12). Also called: COLORECTAL CANCER, SUSCEPTIBILITY TO, ON CHROMOSOME 12q24. Identifiers: Orphanet 220460, MedGen C3554460, MONDO:0014038, OMIM 615083.
Hereditary cancer-predisposing syndrome. Also called: Neoplastic Syndromes, Hereditary; Hereditary Cancer Syndrome; Tumor predisposition; Hereditary neoplastic syndrome. Identifiers: Orphanet 140162, MedGen C0027672, MeSH D009386, MONDO:0015356.
Carcinoma of colon (CRC). Also called: Colonic carcinoma; Colon carcinoma. Identifiers: MedGen C0699790, MONDO:0002032.

Allele frequency attached by ClinVar (database versions not stated): 1000 Genomes Project 0.00240; ESP Exome Variant Server 0.00308; 1000 Genomes Project 30x 0.00312; TOPMed 0.00323.
gnomAD v4.1: 805 of 1,613,800 alleles (0.05%); highest among the groups gnomAD compares: African/African-American, 0.99%; 6 homozygotes.

Submissions (16):

Labcorp Genetics (formerly Invitae), Labcorp
Classification: Benign. Last evaluated: 2026-02-04. Review status: criteria provided, single submitter. Criteria: Invitae Variant Classification Sherloc (09022015). Collection method: clinical testing. Allele origin: germline.

CeGaT Center for Human Genetics Tuebingen
Classification: Likely benign. Last evaluated: 2025-06-01. Review status: criteria provided, single submitter. Criteria: CeGaT Center For Human Genetics Tuebingen Variant Classification Criteria Version 2. Collection method: clinical testing. Allele origin: germline. Affected: yes. Observed: 2 variant alleles.
Comment: POLE: BP4, BS2

ARUP Laboratories, Molecular Genetics and Genomics, ARUP Laboratories
Classification: Likely benign. Last evaluated: 2024-12-26. Review status: criteria provided, single submitter. Criteria: ARUP Molecular Germline Variant Investigation Process 2024. Collection method: clinical testing. Allele origin: germline.

Blueprint Genetics
Classification: Likely benign. Last evaluated: 2024-10-02. Review status: criteria provided, single submitter. Criteria: ACMG Guidelines, 2015. Collection method: clinical testing. Allele origin: germline.

KCCC/NGS Laboratory, Kuwait Cancer Control Center
Classification: Benign for Colorectal cancer, susceptibility to, 12. Last evaluated: 2023-07-07. Review status: criteria provided, single submitter. Criteria: ACMG Guidelines, 2015. Collection method: clinical testing. Allele origin: germline. Affected: yes.

Fulgent Genetics
Classification: Likely benign for Colorectal cancer, susceptibility to, 12; Facial dysmorphism-immunodeficiency-livedo-short stature syndrome; Intrauterine growth retardation, metaphyseal dysplasia, adrenal hypoplasia congenita, genital anomalies, and immunodeficiency. Last evaluated: 2021-08-25. Review status: criteria provided, single submitter. Criteria: ACMG Guidelines, 2015. Collection method: clinical testing. Allele origin: unknown.

Sema4
Classification: Benign for Hereditary cancer-predisposing syndrome. Last evaluated: 2020-07-02. Review status: criteria provided, single submitter. Criteria: Sema4 Curation Guidelines. Collection method: curation. Allele origin: germline.

Women's Health and Genetics/Laboratory Corporation of America, LabCorp
Classification: Benign. Last evaluated: 2018-07-10. Review status: criteria provided, single submitter. Criteria: LabCorp Variant Classification Summary - May 2015. Collection method: clinical testing. Allele origin: germline.
Comment: Variant summary: POLE c.5570A>G (p.Lys1857Arg) results in a conservative amino acid change located in the DNA polymerase epsilon, catalytic subunit A, C-terminal of the encoded protein sequence. Four of five in-silico tools predict a benign effect of the variant on protein function. The variant was observed with an allele frequency of 0.00092 in 277088 control chromosomes (gnomAD). The observed variant frequency within African control individuals in the gnomAD database is approximately 697-folds higher than the estimated maximal expected allele frequency for a pathogenic variant in POLE causing Colorectal Cancer phenotype (1.4e-05), strongly suggesting that the variant is a benign polymorphism found primarily in populations of African origin. To our knowledge, no occurrence of c.5570A>G in individuals affected with Colorectal Cancer and no experimental evidence demonstrating its impact on protein function have been reported. Four ClinVar submissions from clinical diagnostic laboratories (evaluation after 2014) cite the variant as "likely benign/benign." Based on the evidence outlined above, the variant was classified as benign.

GeneDx
Classification: Likely benign. Last evaluated: 2017-12-13. Review status: criteria provided, single submitter. Criteria: GeneDx Variant Classification (06012015). Collection method: clinical testing. Allele origin: germline. Affected: yes.
Comment: This variant is considered likely benign or benign based on one or more of the following criteria: it is a conservative change, it occurs at a poorly conserved position in the protein, it is predicted to be benign by multiple in silico algorithms, and/or has population frequency not consistent with disease.

Genetic Services Laboratory, University of Chicago
Classification: Benign. Last evaluated: 2017-11-08. Review status: criteria provided, single submitter. Criteria: ACMG Guidelines, 2015. Collection method: clinical testing. Allele origin: germline. Affected: no.

Quest Diagnostics Nichols Institute San Juan Capistrano
Classification: Benign. Last evaluated: 2017-04-27. Review status: criteria provided, single submitter. Criteria: Quest Diagnostics criteria. Collection method: clinical testing. Allele origin: unknown.

Ambry Genetics
Classification: Likely benign for Hereditary cancer-predisposing syndrome. Last evaluated: 2015-06-25. Review status: criteria provided, single submitter. Criteria: Ambry Variant Classification Scheme 2023. Collection method: clinical testing. Allele origin: germline.

Breakthrough Genomics
Classification: Likely benign. Review status: criteria provided, single submitter. Criteria: ACMG Guidelines, 2015. Collection method: not provided. Allele origin: germline. Inheritance: Autosomal recessive inheritance. Affected: yes.

PreventionGenetics, part of Exact Sciences
Classification: Benign for POLE-related condition. Last evaluated: 2019-09-04. Review status: no assertion criteria provided. Collection method: clinical testing. Allele origin: germline. Not counted in ClinVar's aggregate classification.
Comment: This variant is classified as benign based on ACMG/AMP sequence variant interpretation guidelines (Richards et al. 2015 PMID: 25741868, with internal and published modifications).

True Health Diagnostics
Classification: Likely benign for Hereditary cancer-predisposing syndrome. Last evaluated: 2017-09-29. Review status: no assertion criteria provided. Collection method: clinical testing. Allele origin: germline. Not counted in ClinVar's aggregate classification.

Department of Pathology and Laboratory Medicine, Sinai Health System
Classification: Likely benign for Carcinoma of colon. Review status: no assertion criteria provided. Collection method: clinical testing. Allele origin: unknown. Affected: yes. Study: The Canadian Open Genetics Repository (COGR). Not counted in ClinVar's aggregate classification.
Comment: The POLE p.Lys1857Arg variant was not identified in the literature nor was it identified in the Cosmic database. The variant was identified in dbSNP (ID: rs5744971) as "With Uncertain significance, other allele ", ClinVar (classified as benign by Invitae and one clinical laboratory; as likely benign by GeneDx, Ambry Genetics and two clinical laboratories), and in MutDB, databases. The variant was identified in control databases in 256 of 277088 chromosomes at a frequency of 0.0009 increasing the likelihood this could be a low frequency benign variant (Genome Aggregation Database Feb 27, 2017). The variant was observed in the following populations: African in 238 of 24034 chromosomes (freq: 0.01), Other in 2 of 6462 chromosomes (freq: 0.0003), Latino in 15 of 34396 chromosomes (freq: 0.0004), European in 1 of 126646 chromosomes (freq: 0.000008), while the variant was not observed in the Ashkenazi Jewish, East Asian, Finnish, and South Asian populations. The p.Lys1857 residue is conserved in mammals but not in more distantly related organisms however four out of five computational analyses (PolyPhen-2, SIFT, AlignGVGD, BLOSUM, MutationTaster) do not suggest a high likelihood of impact to the protein; this information is not predictive enough to rule out pathogenicity. The variant occurs outside of the splicing consensus sequence and in silico or computational prediction software programs (SpliceSiteFinder, MaxEntScan, NNSPLICE, GeneSplicer) do not predict a difference in splicing. In summary, based on the above information the clinical significance of this variant cannot be determined with certainty at this time although we would lean towards a more benign role for this variant. This variant is classified as likely benign.